The following is an entry in ClinVar:

NM_020461.4(TUBGCP6):c.3164del (p.His1055fs)

Gene: TUBGCP6 (tubulin gamma complex component 6; minus strand). Cytogenetic location: 22q13.33.
Variant type: Deletion.
Coding change: c.3164del on transcript NM_020461.4 (MANE Select); coding-DNA position 3164, one base deleted (A; older notation c.3164delA).
Protein change: p.His1055fs; shifts the reading frame from histidine 1055.
Molecular consequence: frameshift variant.
Genome position (GRCh38, 1-based): chr22:50,221,195, T deleted on the plus strand (A on the coding strand, the reverse complement: TUBGCP6 is on the minus strand). VCF-style (leftmost placement, unchanged base first): chr22-50221194-GT-G. GRCh37 (hg19) VCF-style: chr22-50659623-GT-G.
Other names: short protein forms H1055fs.
Identifiers: ClinVar variation 3643103 (VCV003643103.2).

ClinVar aggregate classification (germline): Pathogenic (1 of 4 stars; one submission).

Submission:

Labcorp Genetics (formerly Invitae), Labcorp
Classification: Pathogenic. Last evaluated: 2024-02-24. Review status: criteria provided, single submitter. Criteria: Invitae Variant Classification Sherloc (09022015). Collection method: clinical testing. Allele origin: germline.
Comment: This sequence change creates a premature translational stop signal (p.His1055Profs*36) in the TUBGCP6 gene. It is expected to result in an absent or disrupted protein product. Loss-of-function variants in TUBGCP6 are known to be pathogenic (PMID: 25344692). This variant is not present in population databases (gnomAD no frequency). This variant has not been reported in the literature in individuals affected with TUBGCP6-related conditions. For these reasons, this variant has been classified as Pathogenic.

Literature cited by the submitters: PubMed 25344692.